The following is an entry in ClinVar:

ClinVar aggregate classification (germline): Pathogenic (1 of 4 stars; one submission).

Submission:

Labcorp Genetics (formerly Invitae), Labcorp
Classification: Pathogenic. Last evaluated: 2023-12-23. Review status: criteria provided, single submitter. Criteria: Invitae Variant Classification Sherloc (09022015). Collection method: clinical testing. Allele origin: unknown.
Comment: A gross deletion of the genomic region encompassing the full coding sequence of the UGT1A1 gene has been identified. Loss-of-function variants in UGT1A1 are known to be pathogenic (PMID: 23290513). The boundaries of this event are unknown as they extend beyond the assayed region for this gene and therefore may encompass additional genes. Isolated whole-gene deletions of UGT1A1 have not been reported in the literature. However, larger copy number events that include this gene have been reported (PMID: 26676689). For these reasons, this variant has been classified as Pathogenic.

Literature cited by the submitters: PubMed 23290513; PubMed 26676689.

NC_000002.11:g.(?_234665659)_(234978657_?)del

Genes: HJURP (Holliday junction recognition protein; minus strand), MROH2A (maestro heat like repeat family member 2A; plus strand), SPP2 (secreted phosphoprotein 2; plus strand), TRPM8 (transient receptor potential cation channel subfamily M member 8; plus strand), UGT1A1 (UDP glucuronosyltransferase family 1 member A1; plus strand) and 8 more. Cytogenetic location: 2q37.1.
Variant type: Deletion.
Identifiers: ClinVar variation 3247462 (VCV003247462.1).